The following is an entry in ClinVar:

NM_001386393.1(PANK2):c.752A>G (p.Tyr251Cys)

Gene: PANK2 (pantothenate kinase 2; plus strand). Cytogenetic location: 20p13.
Variant type: single nucleotide variant.
Coding change: c.752A>G on transcript NM_001386393.1 (MANE Select); coding-DNA position 752, A replaced by G.
Protein change: p.Tyr251Cys; replaces tyrosine 251 with cysteine.
Molecular consequence: missense variant. On other transcripts: 5 prime UTR variant (1), non-coding transcript variant (1).
Genome position (GRCh38, 1-based): chr20:3,910,677, A>G. VCF-style: chr20-3910677-A-G. GRCh37 (hg19) VCF-style: chr20-3891324-A-G.
Other names: c.209A>G, p.Tyr70Cys (NM_001324191.2, NM_024960.6, NM_153640.4); c.-227A>G (NM_001324193.2); c.1082A>G, p.Tyr361Cys (NM_153638.4); short protein forms Y361C, Y70C, Y251C.
Identifiers: ClinVar variation 575512 (VCV000575512.7), dbSNP rs1568572918, ClinGen allele CA408114932.

ClinVar aggregate classification (germline): Uncertain significance (1 of 4 stars; one submission).

Conditions:
Pigmentary pallidal degeneration (NBIA1). Also called: PKAN NEUROAXONAL DYSTROPHY, JUVENILE-ONSET; HARP SYNDROME; Pantothenate Kinase-Associated Neurodegeneration; Neuroaxonal dystrophy, late infantile; Hallervorden-Spatz disease; Neurodegeneration with brain iron accumulation 1. Identifiers: Orphanet 157850, MedGen C0018523, MONDO:0009319, OMIM 234200.

Submission:

Labcorp Genetics (formerly Invitae), Labcorp
Classification: Uncertain significance for Pigmentary pallidal degeneration. Last evaluated: 2018-06-19. Review status: criteria provided, single submitter. Criteria: Invitae Variant Classification Sherloc (09022015). Collection method: clinical testing. Allele origin: germline.
Comment: This variant is not present in population databases (ExAC no frequency). This sequence change replaces tyrosine with cysteine at codon 361 of the PANK2 protein (p.Tyr361Cys). The tyrosine residue is moderately conserved and there is a large physicochemical difference between tyrosine and cysteine. This variant has been observed in an individual affected with Hallervoden-Spatz syndrome in combination with another rare heterozygous variant in the same gene (PMID: 12811783). This variant is also known as Tyr251Cys in the literature. In summary, the available evidence is currently insufficient to determine the role of this variant in disease. Therefore, it has been classified as a Variant of Uncertain Significance. Algorithms developed to predict the effect of missense changes on protein structure and function (SIFT, PolyPhen-2, Align-GVGD) all suggest that this variant is likely to be disruptive, but these predictions have not been confirmed by published functional studies and their clinical significance is uncertain.

Literature cited by the submitters: PubMed 12811783.